The following is an entry in ClinVar:

NM_000169.3(GLA):c.572T>A (p.Leu191Gln)

Genes: GLA (galactosidase alpha; minus strand), RPL36A-HNRNPH2 (RPL36A-HNRNPH2 readthrough; plus strand). Cytogenetic location: Xq22.1.
Variant type: single nucleotide variant.
Coding change: c.572T>A on transcript NM_000169.3 (MANE Select); coding-DNA position 572, T replaced by A.
Protein change: p.Leu191Gln; replaces leucine 191 with glutamine.
Molecular consequence: missense variant. On other transcripts: non-coding transcript variant (2), intron variant (2).
Genome position (GRCh38, 1-based): chrX:101,400,733, A>T on the plus strand (T>A on the coding strand, the complement: GLA is on the minus strand). VCF-style: chrX-101400733-A-T. GRCh37 (hg19) VCF-style: chrX-100655721-A-T.
Other names: c.695T>A, p.Leu232Gln (NM_001406747.1); c.572T>A, p.Leu191Gln (NM_001406748.1); c.300+5276A>T (NM_001199973.2); c.177+8911A>T (NM_001199974.2); short protein forms L191Q, L232Q.
Identifiers: ClinVar variation 4087423 (VCV004087423.2).

ClinVar aggregate classification (germline): Likely pathogenic (1 of 4 stars; one submission).

Conditions:
Fabry disease. Also called: ALPHA-GALACTOSIDASE A DEFICIENCY; ANDERSON-FABRY DISEASE; CERAMIDE TRIHEXOSIDASE DEFICIENCY; GLA DEFICIENCY; HEREDITARY DYSTOPIC LIPIDOSIS; Angiokeratoma corporis diffusum. Identifiers: Orphanet 324, MedGen C0002986, MONDO:0010526, OMIM 301500, HP:0001071. Disease mechanism: Fabry disease is due to inactivating mutations in the X-linked GLA gene resulting in deficiency of the enzyme Alpha Galactosidase-A., loss of function.

Submission:

Genomenon, Inc
Classification: Likely pathogenic for Fabry disease. Last evaluated: 2026-09-08. Review status: criteria provided, single submitter. Criteria: Genomenon Sequence Variant Interpretation Standards - Updated. Collection method: curation. Allele origin: germline. Affected: yes.
Comment: GLA p.Leu191Gln (c.572T>A) is a missense variant that changes the amino acid at codon 191 from Leucine to Glutamine. This variant has been observed in at least one proband with clinical features consistent with Fabry disease (PMID:20022777;39766319;36140787;11322659;31770509). At least one functional study has demonstrated a substantial alteration in protein function relative to the wild-type (PMID:27657681). It is absent or not present at a significant frequency in gnomAD. In silico models predict that this variant is possibly or probably damaging. In conclusion, we classify GLA p.Leu191Gln (c.572T>A) as a likely pathogenic variant.

Literature cited by the submitters: PubMed 20022777; PubMed 39766319; PubMed 36140787; PubMed 11322659; PubMed 31770509; PubMed 27657681.